The following is an entry in ClinVar:

ClinVar aggregate classification (germline): Uncertain significance (1 of 4 stars; one submission).

Conditions:
Inborn genetic diseases. Identifiers: MedGen C0950123, MeSH D030342.

Submission:

Ambry Genetics
Classification: Uncertain significance for Inborn genetic diseases. Last evaluated: 2024-12-16. Review status: criteria provided, single submitter. Criteria: Ambry Variant Classification Scheme 2023. Collection method: clinical testing. Allele origin: germline.
Comment: The p.E86K variant (also known as c.256G>A), located in coding exon 2 of the G6PC3 gene, results from a G to A substitution at nucleotide position 256. The glutamic acid at codon 86 is replaced by lysine, an amino acid with similar properties. This amino acid position is conserved. In addition, the in silico prediction for this alteration is inconclusive. Based on the available evidence, the clinical significance of this variant remains unclear.

NM_138387.4(G6PC3):c.256G>A (p.Glu86Lys)

Gene: G6PC3 (glucose-6-phosphatase catalytic subunit 3; plus strand). Cytogenetic location: 17q21.31.
Variant type: single nucleotide variant.
Coding change: c.256G>A on transcript NM_138387.4 (MANE Select); coding-DNA position 256, G replaced by A.
Protein change: p.Glu86Lys; replaces glutamic acid 86 with lysine.
Molecular consequence: missense variant. On other transcripts: 5 prime UTR variant (4).
Genome position (GRCh38, 1-based): chr17:44,074,197, G>A. VCF-style: chr17-44074197-G-A. GRCh37 (hg19) VCF-style: chr17-42151565-G-A.
Other names: c.256G>A, p.Glu86Lys (NM_001319945.2); c.-90G>A (NM_001384165.1, NM_001384166.1, NM_001384167.1 and 1 more transcripts); short protein forms E86K.
Identifiers: ClinVar variation 3852326 (VCV003852326.1).